The following is an entry in ClinVar:

ClinVar aggregate classification (germline): Conflicting classifications of pathogenicity. Review status: criteria provided, conflicting classifications (1 of 4 stars). 4 submissions from 4 submitters: Uncertain significance (1); Likely benign (3). Last evaluated 2026-08-13.

Conditions:
ABCB4-related disorder. Also called: ABCB4-related disorders; ABCB4-related condition.

Allele frequency attached by ClinVar (database versions not stated): gnomAD exomes below 0.00001 and 0.00001; gnomAD 0.00001; TOPMed 0.00001.
gnomAD v4.1: 18 of 1,593,368 alleles (0.0011%); highest among the groups gnomAD compares: Non-Finnish European, 0.0015%; no homozygotes.

Submissions (4):

PreventionGenetics, part of Exact Sciences
Classification: Likely benign for ABCB4-related condition. Last evaluated: 2026-08-13. Review status: criteria provided, single submitter. Criteria: ACMG Guidelines, 2015. Collection method: clinical testing. Allele origin: germline.
Comment: This variant is classified as likely benign based on ACMG/AMP sequence variant interpretation guidelines (Richards et al. 2015 PMID: 25741868, with internal and published modifications).

Labcorp Genetics (formerly Invitae), Labcorp
Classification: Likely benign. Last evaluated: 2025-09-02. Review status: criteria provided, single submitter. Criteria: Invitae Variant Classification Sherloc (09022015). Collection method: clinical testing. Allele origin: germline.

GeneDx
Classification: Likely benign. Last evaluated: 2018-02-09. Review status: criteria provided, single submitter. Criteria: GeneDx Variant Classification (06012015). Collection method: clinical testing. Allele origin: germline. Affected: yes.
Comment: This variant is considered likely benign or benign based on one or more of the following criteria: it is a conservative change, it occurs at a poorly conserved position in the protein, it is predicted to be benign by multiple in silico algorithms, and/or has population frequency not consistent with disease.

Eurofins Ntd Llc (ga)
Classification: Uncertain significance. Last evaluated: 2017-03-22. Review status: criteria provided, single submitter. Criteria: EGL Classification Definitions 2015. Collection method: clinical testing. Allele origin: germline. Observed: 1 variant allele, 1 heterozygote.

NM_000443.4(ABCB4):c.1119+8A>C

Gene: ABCB4 (ATP binding cassette subfamily B member 4; minus strand). Cytogenetic location: 7q21.12.
Variant type: single nucleotide variant.
Coding change: c.1119+8A>C on transcript NM_000443.4 (MANE Select); 8 bases into the intron after coding-DNA position 1119, A replaced by C.
Molecular consequence: intron variant.
Genome position (GRCh38, 1-based): chr7:87,444,854, T>G on the plus strand (A>C on the coding strand, the complement: ABCB4 is on the minus strand). VCF-style: chr7-87444854-T-G. GRCh37 (hg19) VCF-style: chr7-87074170-T-G.
Other names: c.1119+8A>C (NM_018850.3, NM_018849.3).
Identifiers: ClinVar variation 501087 (VCV000501087.13), dbSNP rs1471180323, ClinGen allele CA575854520.